The following is an entry in ClinVar:

NM_001267727.2(ARSG):c.1091+1G>A

Gene: ARSG (arylsulfatase G; plus strand). Cytogenetic location: 17q24.2.
Variant type: single nucleotide variant.
Coding change: c.1091+1G>A on transcript NM_001267727.2 (MANE Select); the canonical splice donor site of the intron after coding-DNA position 1091, G replaced by A.
Molecular consequence: splice donor variant.
Genome position (GRCh38, 1-based): chr17:68,385,173, G>A. VCF-style: chr17-68385173-G-A. GRCh37 (hg19) VCF-style: chr17-66381314-G-A.
Other names: c.1088+1G>A (NM_001352904.2, NM_001352903.2, NM_001352905.2 and 2 more transcripts); c.1091+1G>A (NM_014960.5, NM_001352910.2, NM_001352899.2 and 3 more transcripts); c.1043+1G>A (NM_001352909.2).
Identifiers: ClinVar variation 962127 (VCV000962127.9), dbSNP rs751180603, ClinGen allele CA8728462.

ClinVar aggregate classification (germline): Likely pathogenic. Review status: criteria provided, multiple submitters, no conflicts (2 of 4 stars). 2 submissions from 2 submitters: Likely pathogenic (2). Last evaluated 2023-07-21.

Conditions:
ARSG-related disorder. Also called: ARSG-related condition.

Allele frequency attached by ClinVar (database versions not stated): gnomAD 0.00001; gnomAD exomes 0.00002 and 0.00005; ExAC 0.00008.
gnomAD v4.1: 24 of 1,613,160 alleles (0.0015%); highest among the groups gnomAD compares: South Asian, 0.026%; no homozygotes.

Submissions (2):

Labcorp Genetics (formerly Invitae), Labcorp
Classification: Likely pathogenic. Last evaluated: 2023-07-21. Review status: criteria provided, single submitter. Criteria: Invitae Variant Classification Sherloc (09022015). Collection method: clinical testing. Allele origin: germline.
Comment: ClinVar contains an entry for this variant (Variation ID: 962127). This sequence change affects a donor splice site in intron 9 of the ARSG gene. It is expected to disrupt RNA splicing. Variants that disrupt the donor or acceptor splice site typically lead to a loss of protein function (PMID: 16199547), and loss-of-function variants in ARSG are known to be pathogenic (PMID: 26975023, 34223797). This variant is present in population databases (rs751180603, gnomAD 0.04%). This variant has not been reported in the literature in individuals affected with ARSG-related conditions. Algorithms developed to predict the effect of sequence changes on RNA splicing suggest that this variant may disrupt the consensus splice site. In summary, the currently available evidence indicates that the variant is pathogenic, but additional data are needed to prove that conclusively. Therefore, this variant has been classified as Likely Pathogenic.

Blueprint Genetics
Classification: Likely pathogenic for ARSG-related disorders. Last evaluated: 2023-07-11. Review status: criteria provided, single submitter. Criteria: ACMG Guidelines, 2015. Collection method: clinical testing. Allele origin: germline. Affected: yes. Observed: 1 variant allele.

Literature cited by the submitters: PubMed 16199547 (cited by Labcorp Genetics (formerly Invitae), Labcorp); PubMed 26975023 (cited by Labcorp Genetics (formerly Invitae), Labcorp); PubMed 34223797 (cited by Labcorp Genetics (formerly Invitae), Labcorp).